The following is an entry in ClinVar:

ClinVar aggregate classification (germline): Uncertain significance (1 of 4 stars; one submission).

Conditions:
Epilepsy. Also called: Seizure disorder. Identifiers: MedGen C0014544, MeSH D004827, MONDO:0005027.

Submission:

Labcorp Genetics (formerly Invitae), Labcorp
Classification: Uncertain significance for Epilepsy. Last evaluated: 2021-09-01. Review status: criteria provided, single submitter. Criteria: Invitae Variant Classification Sherloc (09022015). Collection method: clinical testing. Allele origin: germline.
Comment: This sequence change replaces leucine with proline at codon 254 of the PIGQ protein (p.Leu254Pro). The leucine residue is moderately conserved and there is a moderate physicochemical difference between leucine and proline. This variant is not present in population databases (ExAC no frequency). This variant has not been reported in the literature in individuals affected with PIGQ-related conditions. Algorithms developed to predict the effect of missense changes on protein structure and function are either unavailable or do not agree on the potential impact of this missense change (SIFT: "Tolerated"; PolyPhen-2: "Possibly Damaging"; Align-GVGD: "Class C0"). In summary, the available evidence is currently insufficient to determine the role of this variant in disease. Therefore, it has been classified as a Variant of Uncertain Significance.

NM_004204.5(PIGQ):c.761T>C (p.Leu254Pro)

Gene: PIGQ (phosphatidylinositol glycan anchor biosynthesis class Q; plus strand). Cytogenetic location: 16p13.3.
Variant type: single nucleotide variant.
Coding change: c.761T>C on transcript NM_004204.5 (MANE Select); coding-DNA position 761, T replaced by C.
Protein change: p.Leu254Pro; replaces leucine 254 with proline.
Molecular consequence: missense variant.
Genome position (GRCh38, 1-based): chr16:575,910, T>C. VCF-style: chr16-575910-T-C. GRCh37 (hg19) VCF-style: chr16-625910-T-C.
Other names: c.761T>C, p.Leu254Pro (NM_148920.4); short protein forms L254P.
Identifiers: ClinVar variation 1445104 (VCV001445104.5), dbSNP rs2151045368, ClinGen allele CA394051774.